The following is an entry in ClinVar:

NM_001007527.2(LMBRD2):c.143T>C (p.Ile48Thr)

Gene: LMBRD2 (LMBR1 domain containing 2; minus strand). Cytogenetic location: 5p13.2.
Variant type: single nucleotide variant.
Coding change: c.143T>C on transcript NM_001007527.2 (MANE Select); coding-DNA position 143, T replaced by C.
Protein change: p.Ile48Thr; replaces isoleucine 48 with threonine.
Molecular consequence: missense variant.
Genome position (GRCh38, 1-based): chr5:36,143,207, A>G on the plus strand (T>C on the coding strand, the complement: LMBRD2 is on the minus strand). VCF-style: chr5-36143207-A-G. GRCh37 (hg19) VCF-style: chr5-36143309-A-G.
Other names: short protein forms I48T.
Identifiers: ClinVar variation 5043349 (VCV005043349.1).

ClinVar aggregate classification (germline): VUS-mid (1 of 4 stars; one submission).

Conditions:
Developmental delay with variable neurologic and brain abnormalities (MLHNS). Also called: MALHOTRA NEURODEVELOPMENTAL SYNDROME. Identifiers: MedGen C5562060, MONDO:0859218, OMIM 619694.

Submission:

Genetics Department, University Hospital of Toulouse
Classification: VUS-mid for Developmental delay with variable neurologic and brain abnormalities. Last evaluated: 2026-10-22. Review status: criteria provided, single submitter. Criteria: ACMG Guidelines, 2015. Collection method: clinical testing. Allele origin: unknown. Inheritance: Autosomal dominant inheritance. Affected: yes.
Comment: The LMBRD2 c.143T>C p.(Ile48Thr) missense variant has been identified in a de novo state individuals with a phenotype consistent with developmental delay with variable neurologic and brain abnormalities (DENBA) (internal data). This variant is not observed in version 4.1.2 of the Genome Aggregation Database. Based on the available evidence, the c.143T>C p.(Ile48Thr) variant has been classified as a variant of uncertain significance for developmental delay with variable neurologic and brain abnormalities.